The following is an entry in ClinVar:

ClinVar aggregate classification (germline): Uncertain significance. Review status: criteria provided, single submitter (1 of 4 stars). 2 submissions from 2 submitters: Uncertain significance (1). 1 of the submissions does not count toward it. Last evaluated 2025-01-15.

Conditions:
Werner syndrome (WRN). Identifiers: Orphanet 902, MedGen C0043119, MONDO:0010196, OMIM 277700.

Allele frequency attached by ClinVar (database versions not stated): TOPMed below 0.00001; gnomAD exomes 0.00001; ExAC 0.00002.
gnomAD v4.1: 15 of 1,612,098 alleles (0.00093%); highest among the groups gnomAD compares: South Asian, 0.015%; no homozygotes.

Submissions (2):

Labcorp Genetics (formerly Invitae), Labcorp
Classification: Uncertain significance for Werner syndrome. Last evaluated: 2025-01-15. Review status: criteria provided, single submitter. Criteria: Invitae Variant Classification Sherloc (09022015). Collection method: clinical testing. Allele origin: germline.
Comment: This sequence change replaces valine, which is neutral and non-polar, with leucine, which is neutral and non-polar, at codon 570 of the WRN protein (p.Val570Leu). This variant is present in population databases (rs587778746, gnomAD 0.01%). This variant has not been reported in the literature in individuals affected with WRN-related conditions. ClinVar contains an entry for this variant (Variation ID: 135417). An algorithm developed to predict the effect of missense changes on protein structure and function (PolyPhen-2) suggests that this variant is likely to be disruptive. In summary, the available evidence is currently insufficient to determine the role of this variant in disease. Therefore, it has been classified as a Variant of Uncertain Significance.

ITMI
No classification provided. Condition: AllHighlyPenetrant. Last evaluated: 2013-09-19. Review status: no classification provided. Collection method: reference population. Allele origin: germline. Not counted in ClinVar's aggregate classification.
Comment: Please see associated publication for description of ethnicities

Literature cited by the submitters: PubMed 24728327 (cited by ITMI).

NM_000553.6(WRN):c.1708G>C (p.Val570Leu)

Gene: WRN (WRN RecQ like helicase; plus strand). Cytogenetic location: 8p12.
Variant type: single nucleotide variant.
Coding change: c.1708G>C on transcript NM_000553.6 (MANE Select); coding-DNA position 1708, G replaced by C.
Protein change: p.Val570Leu; replaces valine 570 with leucine.
Molecular consequence: missense variant.
Genome position (GRCh38, 1-based): chr8:31,090,520, G>C. VCF-style: chr8-31090520-G-C. GRCh37 (hg19) VCF-style: chr8-30948036-G-C.
Other names: short protein forms V570L.
Identifiers: ClinVar variation 135417 (VCV000135417.5), dbSNP rs587778746, ClinGen allele CA162698.
Genomic context (GRCh38, chr8:31,090,520, plus strand): 5'-TCAAGAGTTCAGTGGAAAGTGATTCATTCAGTATTAGAAGAAAGAAGAGATAATGTTGCT[G>C]TCATGGCAACTGGTAAGTTGTACTTAAGCAAAACCTAATCCTTTAAAAAAATAAAACATA-3'
Protein context (NP_000544.2, residues 560-580): VLEERRDNVA[Val570Leu]MATGYGKSLC